The following is an entry in ClinVar:

NM_006563.5(KLF1):c.474_475delinsAT (p.Pro159Ser)

Genes: KLF1 (KLF transcription factor 1; minus strand), LOC130063673 (ATAC-STARR-seq lymphoblastoid silent region 10180; plus strand). Cytogenetic location: 19p13.13.
Variant type: Indel.
Coding change: c.474_475delinsAT on transcript NM_006563.5 (MANE Select); coding-DNA positions 474 to 475, CC replaced by AT.
Protein change: p.Pro159Ser; replaces proline 159 with serine.
Molecular consequence: missense variant.
Genome position (GRCh38, 1-based): chr19:12,885,755-12,885,756, GG replaced by AT on the plus strand (CC replaced by AT on the coding strand, the reverse complement: KLF1 is on the minus strand). VCF-style: chr19-12885755-GG-AT. GRCh37 (hg19) VCF-style: chr19-12996569-GG-AT.
Other names: short protein forms P159S.
Identifiers: ClinVar variation 3722563 (VCV003722563.2).

ClinVar aggregate classification (germline): Uncertain significance (1 of 4 stars; one submission).

Submission:

Labcorp Genetics (formerly Invitae), Labcorp
Classification: Uncertain significance. Last evaluated: 2024-10-09. Review status: criteria provided, single submitter. Criteria: Invitae Variant Classification Sherloc (09022015). Collection method: clinical testing. Allele origin: germline.
Comment: This sequence change replaces proline, which is neutral and non-polar, with serine, which is neutral and polar, at codon 159 of the KLF1 protein (p.Pro159Ser). Information on the frequency of this variant in the gnomAD database is not available, as this variant may be reported differently in the database. This variant has not been reported in the literature in individuals affected with KLF1-related conditions. Experimental studies and prediction algorithms are not available or were not evaluated, and the functional significance of this variant is currently unknown. In summary, the available evidence is currently insufficient to determine the role of this variant in disease. Therefore, it has been classified as a Variant of Uncertain Significance.